The following is an entry in ClinVar:

NM_002473.6(MYH9):c.1615G>C (p.Asp539His)

Gene: MYH9 (myosin heavy chain 9; minus strand). Cytogenetic location: 22q12.3.
Variant type: single nucleotide variant.
Coding change: c.1615G>C on transcript NM_002473.6 (MANE Select); coding-DNA position 1615, G replaced by C.
Protein change: p.Asp539His; replaces aspartic acid 539 with histidine.
Molecular consequence: missense variant.
Genome position (GRCh38, 1-based): chr22:36,312,162, C>G on the plus strand (G>C on the coding strand, the complement: MYH9 is on the minus strand). VCF-style: chr22-36312162-C-G. GRCh37 (hg19) VCF-style: chr22-36708207-C-G.
Other names: c.1615G>C (NM_002473.4); short protein forms D539H.
Identifiers: ClinVar variation 3588007 (VCV003588007.5).
Genomic context (GRCh38, chr22:36,312,162, plus strand): 5'-GCTTCTGGAACTTGGGGTGGGTGCCCTGCTCCTGCATCACCTTCTCCACGAAGCTCTTGT[C>G]GGTGGCTTTGGGGAACCAGCACTCCTCGTCCAGCAGGGCCAGAATGCCCGGGGGGCCTGC-3'
Protein context (NP_002464.1, residues 529-549): DEECWFPKAT[Asp539His]KSFVEKVMQE

ClinVar aggregate classification (germline): Uncertain significance. Review status: criteria provided, multiple submitters, no conflicts (2 of 4 stars). 4 submissions from 4 submitters: Uncertain significance (4). Last evaluated 2026-03-09.

Conditions:
MYH9-related disorder. Identifiers: MedGen C1854520.
Inborn genetic diseases. Identifiers: MedGen C0950123, MeSH D030342.
Macrothrombocytopenia and granulocyte inclusions with or without nephritis or sensorineural hearing loss (MATINS). Also called: BLEEDING DISORDER, PLATELET-TYPE, 6; MAY-HEGGLIN ANOMALY; DOHLE LEUKOCYTE INCLUSIONS WITH GIANT PLATELETS; MACROTHROMBOCYTOPENIA WITH LEUKOCYTE INCLUSIONS; MACROTHROMBOCYTOPENIA, NEPHRITIS, DEAFNESS, AND LEUKOCYTE INCLUSIONS; SEBASTIAN PLATELET SYNDROME. Identifiers: Orphanet 182050, MedGen C5200934, MONDO:0015912, OMIM 155100.
Autosomal dominant nonsyndromic hearing loss 17. Also called: Autosomal dominant nonsyndromic deafness 17; Deafness, autosomal dominant 17. Identifiers: Orphanet 90635, MedGen C1863659, MONDO:0011350, OMIM 603622.

gnomAD v4.1: 13 of 1,614,038 alleles (0.00081%); highest among the groups gnomAD compares: Admixed American, 0.0017%; no homozygotes.

Submissions (4):

PreventionGenetics, part of Exact Sciences
Classification: Uncertain significance for MYH9-related condition. Last evaluated: 2026-03-09. Review status: criteria provided, single submitter. Criteria: ACMG Guidelines, 2015. Collection method: clinical testing. Allele origin: germline.
Comment: The MYH9 c.1615G>C variant is predicted to result in the amino acid substitution p.Asp539His. To our knowledge, this variant has not been reported in the literature. This variant is reported in 0.0029% of alleles in individuals of Latino descent in gnomAD. At this time, the clinical significance of this variant is uncertain due to the absence of conclusive functional and genetic evidence.

Labcorp Genetics (formerly Invitae), Labcorp
Classification: Uncertain significance. Last evaluated: 2025-05-13. Review status: criteria provided, single submitter. Criteria: Invitae Variant Classification Sherloc (09022015). Collection method: clinical testing. Allele origin: germline.
Comment: This sequence change replaces aspartic acid, which is acidic and polar, with histidine, which is basic and polar, at codon 539 of the MYH9 protein (p.Asp539His). This variant is present in population databases (no rsID available, gnomAD 0.003%). This variant has not been reported in the literature in individuals affected with MYH9-related conditions. ClinVar contains an entry for this variant (Variation ID: 3588007). Invitae Evidence Modeling of protein sequence and biophysical properties (such as structural, functional, and spatial information, amino acid conservation, physicochemical variation, residue mobility, and thermodynamic stability) has been performed for this missense variant. However, the output from this modeling did not meet the statistical confidence thresholds required to predict the impact of this variant on MYH9 protein function. In summary, the available evidence is currently insufficient to determine the role of this variant in disease. Therefore, it has been classified as a Variant of Uncertain Significance.

Ambry Genetics
Classification: Uncertain significance for Inborn genetic diseases. Last evaluated: 2025-01-18. Review status: criteria provided, single submitter. Criteria: Ambry Variant Classification Scheme 2023. Collection method: clinical testing. Allele origin: germline.

Fulgent Genetics
Classification: Uncertain significance for Macrothrombocytopenia and granulocyte inclusions with or without nephritis or sensorineural hearing loss; Autosomal dominant nonsyndromic hearing loss 17. Last evaluated: 2024-03-05. Review status: criteria provided, single submitter. Criteria: ACMG Guidelines, 2015. Collection method: clinical testing. Allele origin: germline.